The following is an entry in ClinVar:

ClinVar aggregate classification (germline): Benign/Likely benign. Review status: criteria provided, multiple submitters, no conflicts (2 of 4 stars). 8 submissions from 8 submitters: Benign (3); Likely benign (3). 2 of the submissions do not count toward it. Last evaluated 2026-06-01.

Conditions:
Autoinflammatory syndrome. Identifiers: Orphanet 93665, MedGen C3890737, MONDO:0019751.
Griscelli syndrome type 2 (GS2). Also called: PAID SYNDROME; PARTIAL ALBINISM AND IMMUNODEFICIENCY SYNDROME; GRISCELLI SYNDROME WITH HEMOPHAGOCYTIC SYNDROME. Identifiers: Orphanet 381, Orphanet 79477, MedGen C1868679, MONDO:0011872, OMIM 607624.

Allele frequency attached by ClinVar (database versions not stated): gnomAD exomes 0.00032 and 0.00078; ExAC 0.00097; ESP Exome Variant Server 0.00332; gnomAD 0.00348 and 0.00374; TOPMed 0.00400; 1000 Genomes Project 0.00479; 1000 Genomes Project 30x 0.00484.
gnomAD v4.1: 1,021 of 1,614,132 alleles (0.063%); highest among the groups gnomAD compares: African/African-American, 1.2%; 1 homozygote.

Submissions (8):

CeGaT Center for Human Genetics Tuebingen
Classification: Likely benign. Last evaluated: 2026-06-01. Review status: criteria provided, single submitter. Criteria: CeGaT Center For Human Genetics Tuebingen Variant Classification Criteria Version 2. Collection method: clinical testing. Allele origin: germline. Affected: yes. Observed: 2 variant alleles.
Comment: RAB27A: BP4, BP7, BS1

Labcorp Genetics (formerly Invitae), Labcorp
Classification: Benign for Griscelli syndrome type 2. Last evaluated: 2026-01-24. Review status: criteria provided, single submitter. Criteria: Invitae Variant Classification Sherloc (09022015). Collection method: clinical testing. Allele origin: germline.

Blueprint Genetics
Classification: Likely benign. Last evaluated: 2024-11-01. Review status: criteria provided, single submitter. Criteria: ACMG Guidelines, 2015. Collection method: clinical testing. Allele origin: germline.

Genome Diagnostics Laboratory, The Hospital for Sick Children
Classification: Likely benign for Autoinflammatory syndrome. Last evaluated: 2020-03-01. Review status: criteria provided, single submitter. Criteria: ACMG Guidelines, 2015. Collection method: clinical testing. Allele origin: germline. Affected: yes.

Illumina Laboratory Services, Illumina
Classification: Benign for Griscelli syndrome type 2. Last evaluated: 2018-01-12. Review status: criteria provided, single submitter. Criteria: ICSL Variant Classification Criteria 13 December 2019. Collection method: clinical testing. Allele origin: germline.
Comment: This variant was observed in the ICSL laboratory as part of a predisposition screen in an ostensibly healthy population. It had not been previously curated by ICSL or reported in the Human Gene Mutation Database (HGMD: prior to June 1st, 2018), and was therefore a candidate for classification through an automated scoring system. Utilizing variant allele frequency, disease prevalence and penetrance estimates, and inheritance mode, an automated score was calculated to assess if this variant is too frequent to cause the disease. Based on the score and internal cut-off values, a variant classified as benign is not then subjected to further curation. The score for this variant resulted in a classification of benign for this disease.

Breakthrough Genomics
Classification: Benign. Review status: criteria provided, single submitter. Criteria: ACMG Guidelines, 2015. Collection method: not provided. Allele origin: germline. Inheritance: Autosomal recessive inheritance. Affected: yes.

Genome Diagnostics Laboratory, University Medical Center Utrecht
Classification: Likely benign. Review status: no assertion criteria provided. Collection method: clinical testing. Allele origin: germline. Affected: yes. Study: VKGL Data-share Consensus. Not counted in ClinVar's aggregate classification.

Laboratory of Diagnostic Genome Analysis, Leiden University Medical Center (LUMC)
Classification: Benign. Review status: no assertion criteria provided. Collection method: clinical testing. Allele origin: germline. Affected: yes. Study: VKGL Data-share Consensus. Not counted in ClinVar's aggregate classification.

NM_183235.3(RAB27A):c.594G>A (p.Val198=)

Gene: RAB27A (RAB27A, member RAS oncogene family; minus strand). Cytogenetic location: 15q21.3.
Variant type: single nucleotide variant.
Coding change: c.594G>A on transcript NM_183235.3 (MANE Select); coding-DNA position 594, G replaced by A.
Protein change: p.Val198=; no amino-acid change (valine 198 retained).
Molecular consequence: synonymous variant.
Genome position (GRCh38, 1-based): chr15:55,205,579, C>T on the plus strand (G>A on the coding strand, the complement: RAB27A is on the minus strand). VCF-style: chr15-55205579-C-T. GRCh37 (hg19) VCF-style: chr15-55497777-C-T.
Other names: c.594G>A, p.Val198= (NM_004580.5, NM_183234.3, NM_183236.3).
Identifiers: ClinVar variation 468591 (VCV000468591.45), dbSNP rs141222527, ClinGen allele CA7573525.